The following is an entry in ClinVar:

ClinVar aggregate classification (germline): Likely benign (0 of 4 stars; one submission).

Conditions:
YY1AP1-related disorder. Also called: YY1AP1-related condition.

Allele frequency attached by ClinVar (database versions not stated): TOPMed below 0.00001.
gnomAD v4.1: 4 of 1,613,998 alleles (0.00025%); no homozygotes.

Submission:

PreventionGenetics, part of Exact Sciences
Classification: Likely benign for YY1AP1-related condition. Last evaluated: 2019-08-14. Review status: no assertion criteria provided. Collection method: clinical testing. Allele origin: germline.
Comment: This variant is classified as likely benign based on ACMG/AMP sequence variant interpretation guidelines (Richards et al. 2015 PMID: 25741868, with internal and published modifications).

NM_139119.3(YY1AP1):c.-145T>A

Genes: DAP3 (death associated protein 3; plus strand), YY1AP1 (YY1 associated protein 1; minus strand). Cytogenetic location: 1q22.
Variant type: single nucleotide variant.
Coding change: c.-145T>A on transcript NM_139119.3 (MANE Select); 145 bases upstream of the start codon, T replaced by A.
Molecular consequence: 5 prime UTR variant. On other transcripts: synonymous variant (4), intron variant (3).
Genome position (GRCh38, 1-based): chr1:155,688,195, A>T on the plus strand (T>A on the coding strand, the complement: YY1AP1 is on the minus strand). VCF-style: chr1-155688195-A-T. GRCh37 (hg19) VCF-style: chr1-155657986-A-T.
Other names: c.-137T>A (NM_001198900.2); c.270T>A, p.Leu90= (NM_001198903.1, NM_001198904.1); c.-145T>A (NM_001198905.2); c.54T>A, p.Leu18= (NM_001198906.2, NM_139118.3); c.-259T>A (NM_018253.4); c.-21+735T>A (NM_001198901.2); c.-375+735T>A (NM_139121.3); c.-21+464T>A (NM_001198902.2).
Identifiers: ClinVar variation 3052471 (VCV003052471.2), dbSNP rs1017809059, ClinGen allele CA30970625.